The following is an entry in ClinVar:

NM_001379403.1(WDR26):c.1446G>A (p.Trp482Ter)

Gene: WDR26 (WD repeat domain 26; minus strand). Cytogenetic location: 1q42.12.
Variant type: single nucleotide variant.
Coding change: c.1446G>A on transcript NM_001379403.1 (MANE Select); coding-DNA position 1446, G replaced by A.
Protein change: p.Trp482Ter; replaces tryptophan 482 with a stop codon.
Molecular consequence: nonsense.
Genome position (GRCh38, 1-based): chr1:224,411,439, C>T on the plus strand (G>A on the coding strand, the complement: WDR26 is on the minus strand). VCF-style: chr1-224411439-C-T. GRCh37 (hg19) VCF-style: chr1-224599141-C-T.
Other names: c.1098G>A, p.Trp366Ter (NM_001115113.3); c.1146G>A, p.Trp382Ter (NM_025160.7); short protein forms W366*, W382*, W482*.
Identifiers: ClinVar variation 1705637 (VCV001705637.1), dbSNP rs2464720371, ClinGen allele CA344749229.

ClinVar aggregate classification (germline): Likely pathogenic (1 of 4 stars; one submission).

Conditions:
Skraban-Deardorff syndrome. Also called: WDR26-Related Intellectual Disability; INTELLECTUAL DISABILITY WITH SEIZURES, ABNORMAL GAIT, AND DISTINCTIVE FACIAL FEATURES. Identifiers: Orphanet 513456, MedGen C4539927, MONDO:0054636, OMIM 617616.

Submission:

3billion
Classification: Likely pathogenic for Skraban-Deardorff syndrome. Last evaluated: 2022-09-01. Review status: criteria provided, single submitter. Criteria: ACMG Guidelines, 2015. Collection method: clinical testing. Allele origin: germline. Affected: yes. Observed: 1 heterozygote.
Comment: The variant is not observed in the gnomAD v2.1.1 dataset. Stop-gained (nonsense) is predicted to result in a loss or disruption of normal protein function through nonsense-mediated decay (NMD) or protein truncation. Multiple pathogenic variants are reported downstream of the variant. Therefore, this variant is classified as Likely pathogenic according to the recommendation of ACMG/AMP guideline.